The following is an entry in ClinVar:

NM_000465.4(BARD1):c.1861A>G (p.Met621Val)

Gene: BARD1 (BRCA1 associated RING domain 1; minus strand). Cytogenetic location: 2q35.
Variant type: single nucleotide variant.
Coding change: c.1861A>G on transcript NM_000465.4 (MANE Select); coding-DNA position 1861, A replaced by G.
Protein change: p.Met621Val; replaces methionine 621 with valine.
Molecular consequence: missense variant. On other transcripts: non-coding transcript variant (3), intron variant (1).
Genome position (GRCh38, 1-based): chr2:214,745,109, T>C on the plus strand (A>G on the coding strand, the complement: BARD1 is on the minus strand). VCF-style: chr2-214745109-T-C. GRCh37 (hg19) VCF-style: chr2-215609833-T-C.
Other names: c.1804A>G, p.Met602Val (NM_001282543.2); c.508A>G, p.Met170Val (NM_001282545.2); c.451A>G, p.Met151Val (NM_001282548.2); c.365-14601A>G (NM_001282549.2); short protein forms M170V, M151V, M602V, M621V.
Identifiers: ClinVar variation 1781507 (VCV001781507.2), dbSNP rs1158758440, ClinGen allele CA350452168.

ClinVar aggregate classification (germline): Uncertain significance (1 of 4 stars; one submission).

Conditions:
Hereditary cancer-predisposing syndrome. Also called: Neoplastic Syndromes, Hereditary; Tumor predisposition; Hereditary Cancer Syndrome; Hereditary neoplastic syndrome. Identifiers: Orphanet 140162, MedGen C0027672, MeSH D009386, MONDO:0015356.

gnomAD v4.1: 2 of 1,614,082 alleles (0.00012%); highest among the groups gnomAD compares: Non-Finnish European, 0.000085%; no homozygotes.

Submission:

Ambry Genetics
Classification: Uncertain significance for Hereditary cancer-predisposing syndrome. Last evaluated: 2022-10-29. Review status: criteria provided, single submitter. Criteria: Ambry Variant Classification Scheme 2023. Collection method: clinical testing. Allele origin: germline.
Comment: The p.M621V variant (also known as c.1861A>G), located in coding exon 9 of the BARD1 gene, results from an A to G substitution at nucleotide position 1861. The methionine at codon 621 is replaced by valine, an amino acid with highly similar properties. This amino acid position is conserved. In addition, this alteration is predicted to be tolerated by in silico analysis. Since supporting evidence is limited at this time, the clinical significance of this alteration remains unclear.